The following is an entry in ClinVar:

NM_024580.6(EFL1):c.418C>T (p.Arg140Cys)

Gene: EFL1 (elongation factor like GTPase 1; minus strand). Cytogenetic location: 15q25.2.
Variant type: single nucleotide variant.
Coding change: c.418C>T on transcript NM_024580.6 (MANE Select); coding-DNA position 418, C replaced by T.
Protein change: p.Arg140Cys; replaces arginine 140 with cysteine.
Molecular consequence: missense variant. On other transcripts: 5 prime UTR variant (1), non-coding transcript variant (1).
Genome position (GRCh38, 1-based): chr15:82,240,516, G>A on the plus strand (C>T on the coding strand, the complement: EFL1 is on the minus strand). VCF-style: chr15-82240516-G-A. GRCh37 (hg19) VCF-style: chr15-82532857-G-A.
Other names: c.265C>T, p.Arg89Cys (NM_001040610.3); c.-372C>T (NM_001322844.2); c.418C>T, p.Arg140Cys (NM_001322845.2); short protein forms R89C, R140C.
Identifiers: ClinVar variation 1353513 (VCV001353513.8), dbSNP rs376672172, ClinGen allele CA7698282.

ClinVar aggregate classification (germline): Uncertain significance (1 of 4 stars; one submission).

Allele frequency attached by ClinVar (database versions not stated): ExAC 0.00002; gnomAD 0.00002; gnomAD exomes 0.00002; TOPMed 0.00002; ESP Exome Variant Server 0.00008.
gnomAD v4.1: 39 of 1,613,910 alleles (0.0024%); highest among the groups gnomAD compares: African/African-American, 0.0053%; no homozygotes.

Submission:

Labcorp Genetics (formerly Invitae), Labcorp
Classification: Uncertain significance. Last evaluated: 2022-11-28. Review status: criteria provided, single submitter. Criteria: Invitae Variant Classification Sherloc (09022015). Collection method: clinical testing. Allele origin: germline.
Comment: This sequence change replaces arginine, which is basic and polar, with cysteine, which is neutral and slightly polar, at codon 140 of the EFL1 protein (p.Arg140Cys). This variant is present in population databases (rs376672172, gnomAD 0.008%). This variant has not been reported in the literature in individuals affected with EFL1-related conditions. ClinVar contains an entry for this variant (Variation ID: 1353513). Advanced modeling of protein sequence and biophysical properties (such as structural, functional, and spatial information, amino acid conservation, physicochemical variation, residue mobility, and thermodynamic stability) performed at Invitae indicates that this missense variant is expected to disrupt EFL1 protein function. In summary, the available evidence is currently insufficient to determine the role of this variant in disease. Therefore, it has been classified as a Variant of Uncertain Significance.